The following is an entry in ClinVar:

ClinVar aggregate classification (germline): other (0 of 4 stars; one submission).

Conditions:
Familial colorectal cancer. Identifiers: MedGen CN280943, MONDO:0023113. Disease mechanism: loss of function.

Submission:

Systems Biology Platform Zhejiang California International NanoSystems Institute
Classification: other for Familial colorectal cancer. Review status: no assertion criteria provided. Collection method: not provided. Allele origin: unknown.
ClinVar note: Converted during submission from cancer to other.

NC_000005.10:g.112850820C>A

Variant type: single nucleotide variant.
Genome position: GRCh38 VCF-style: chr5-112850820-C-A. GRCh37 (hg19) VCF-style: chr5-112186517-C-A.
Identifiers: ClinVar variation 82656 (VCV000082656.3), dbSNP rs74713622, ClinGen allele CA250796.